The following is an entry in ClinVar:

ClinVar aggregate classification (germline): Uncertain significance (1 of 4 stars; one submission).

Allele frequency attached by ClinVar (database versions not stated): ExAC 0.00001; gnomAD exomes 0.00001; TOPMed 0.00001; gnomAD 0.00003.
gnomAD v4.1: 7 of 1,613,948 alleles (0.00043%); highest among the groups gnomAD compares: East Asian, 0.0045%; no homozygotes.

Submission:

Labcorp Genetics (formerly Invitae), Labcorp
Classification: Uncertain significance. Last evaluated: 2021-10-06. Review status: criteria provided, single submitter. Criteria: Invitae Variant Classification Sherloc (09022015). Collection method: clinical testing. Allele origin: germline.
Comment: In summary, the available evidence is currently insufficient to determine the role of this variant in disease. Therefore, it has been classified as a Variant of Uncertain Significance. Algorithms developed to predict the effect of missense changes on protein structure and function are either unavailable or do not agree on the potential impact of this missense change (SIFT: "Deleterious"; PolyPhen-2: "Possibly Damaging"; Align-GVGD: "Class C0"). This missense change has been observed in individual(s) with empty follicle syndrome (PMID: 28175319). This variant is present in population databases (rs763889232, ExAC 0.01%). This sequence change replaces alanine with threonine at codon 449 of the LHCGR protein (p.Ala449Thr). The alanine residue is highly conserved and there is a small physicochemical difference between alanine and threonine.

Literature cited by the submitters: PubMed 28175319.

NM_000233.4(LHCGR):c.1345G>A (p.Ala449Thr)

Genes: LHCGR (luteinizing hormone/choriogonadotropin receptor; minus strand), STON1-GTF2A1L (STON1-GTF2A1L readthrough; plus strand). Cytogenetic location: 2p16.3.
Variant type: single nucleotide variant.
Coding change: c.1345G>A on transcript NM_000233.4 (MANE Select); coding-DNA position 1345, G replaced by A.
Protein change: p.Ala449Thr; replaces alanine 449 with threonine.
Molecular consequence: missense variant. On other transcripts: intron variant (1).
Genome position (GRCh38, 1-based): chr2:48,688,452, C>T on the plus strand (G>A on the coding strand, the complement: LHCGR is on the minus strand). VCF-style: chr2-48688452-C-T. GRCh37 (hg19) VCF-style: chr2-48915591-C-T.
Other names: c.3441+16772C>T (NM_001198593.2); short protein forms A449T.
Identifiers: ClinVar variation 1443417 (VCV001443417.6), dbSNP rs763889232, ClinGen allele CA1653044.
Genomic context (GRCh38, chr2:48,688,452, plus strand): 5'-TGATGGTGTGCCATCTTTCTAGAGTGATGACGGTGAGGGTGTAGACAGAAAGTTCACTTG[C>T]GAATACAGTGAAAAAGCCAGCAGTGCTGCACCCACTCCCTGTCTGCCAGTCTATGGCATG-3'
Protein context (NP_000224.2, residues 439-459): CSTAGFFTVF[Ala449Thr]SELSVYTLTV